The following is an entry in ClinVar:

ClinVar aggregate classification (germline): Conflicting classifications of pathogenicity. Review status: criteria provided, conflicting classifications (1 of 4 stars). 11 submissions from 11 submitters: Uncertain significance (5); Likely benign (1). 5 of the submissions do not count toward it. Last evaluated 2025-06-10.

Conditions:
TTN-related disorder. Also called: TTN-related condition; TTN-related disease; TTN-related disorders.

Allele frequency attached by ClinVar (database versions not stated): ExAC 0.00001; gnomAD exomes 0.00001 and 0.00002; TOPMed 0.00001; gnomAD 0.00002.
gnomAD v4.1: 34 of 1,609,672 alleles (0.0021%); highest among the groups gnomAD compares: Non-Finnish European, 0.0028%; no homozygotes.

Submissions (11):

GeneDx
Classification: Uncertain significance. Last evaluated: 2025-06-10. Review status: criteria provided, single submitter. Criteria: GeneDx Variant Classification Process June 2021. Collection method: clinical testing. Allele origin: germline. Affected: yes.
Comment: Not observed at significant frequency in large population cohorts (gnomAD); Missense variant in a gene in which most reported pathogenic variants are truncating/loss of function; Identified in individuals with cardiomyopathy in published literature (PMID: 30847666); This variant is associated with the following publications: (PMID: 30847666)

CeGaT Center for Human Genetics Tuebingen
Classification: Uncertain significance. Last evaluated: 2025-06-01. Review status: criteria provided, single submitter. Criteria: CeGaT Center For Human Genetics Tuebingen Variant Classification Criteria Version 2. Collection method: clinical testing. Allele origin: germline. Affected: yes. Observed: 2 variant alleles.
Comment: TTN: PM2

Women's Health and Genetics/Laboratory Corporation of America, LabCorp
Classification: Uncertain significance. Last evaluated: 2025-05-23. Review status: criteria provided, single submitter. Criteria: LabCorp Variant Classification Summary - May 2015. Collection method: clinical testing. Allele origin: germline.
Comment: Variant summary: TTN c.18238T>G (p.Tyr6080Asp) results in a non-conservative amino acid change in the encoded protein sequence. Algorithms developed to predict the effect of missense changes on protein structure and function are either unavailable or do not agree on the potential impact of this missense change. The variant allele was found at a frequency of 8.2e-06 in 244558 control chromosomes (gnomAD). The available data on variant occurrences in the general population are insufficient to allow any conclusion about variant significance. c.18238T>G has been observed in one individual affected with Dilated Cardiomyopathy (van Lint_2019). The report does not provide unequivocal conclusions about association of the variant with Dilated Cardiomyopathy. To our knowledge, no experimental evidence demonstrating an impact on protein function has been reported. The following publication have been ascertained in the context of this evaluation (PMID: 30847666). ClinVar contains an entry for this variant (Variation ID: 203306). Based on the evidence outlined above, the variant was classified as uncertain significance.

Blueprint Genetics
Classification: Likely benign. Last evaluated: 2024-09-24. Review status: criteria provided, single submitter. Criteria: ACMG Guidelines, 2015. Collection method: clinical testing. Allele origin: germline.

Revvity Omics, Revvity
Classification: Uncertain significance. Last evaluated: 2024-06-06. Review status: criteria provided, single submitter. Criteria: ACMG Guidelines, 2015. Collection method: clinical testing. Allele origin: germline.

Eurofins Ntd Llc (ga)
Classification: Uncertain significance. Last evaluated: 2017-10-02. Review status: criteria provided, single submitter. Criteria: EGL Classification Definitions 2015. Collection method: clinical testing. Allele origin: germline. Observed: 1 variant allele, 1 heterozygote.

PreventionGenetics, part of Exact Sciences
Classification: Uncertain significance for TTN-related condition. Last evaluated: 2024-06-12. Review status: no assertion criteria provided. Collection method: clinical testing. Allele origin: germline. Not counted in ClinVar's aggregate classification.
Comment: The TTN c.21970T>G variant is predicted to result in the amino acid substitution p.Tyr7324Asp. To our knowledge, this variant has not been reported in the literature. This variant is reported in 0.0032% of alleles in individuals of European (Non-Finnish) descent in gnomAD. At this time, the clinical significance of this variant is uncertain due to the absence of conclusive functional and genetic evidence.

Clinical Genetics DNA and cytogenetics Diagnostics Lab, Erasmus MC, Erasmus Medical Center
Classification: Uncertain significance. Review status: no assertion criteria provided. Collection method: clinical testing. Allele origin: germline. Affected: yes. Study: VKGL Data-share Consensus. Not counted in ClinVar's aggregate classification.

Clinical Genetics, Academic Medical Center
Classification: Uncertain significance. Review status: no assertion criteria provided. Collection method: clinical testing. Allele origin: germline. Affected: yes. Study: VKGL Data-share Consensus. Not counted in ClinVar's aggregate classification.

Diagnostic Laboratory, Department of Genetics, University Medical Center Groningen
Classification: Uncertain significance. Review status: no assertion criteria provided. Collection method: clinical testing. Allele origin: germline. Affected: yes. Study: VKGL Data-share Consensus. Not counted in ClinVar's aggregate classification.

Joint Genome Diagnostic Labs from Nijmegen and Maastricht, Radboudumc and MUMC+
Classification: Uncertain significance. Review status: no assertion criteria provided. Collection method: clinical testing. Allele origin: germline. Affected: yes. Study: VKGL Data-share Consensus. Not counted in ClinVar's aggregate classification.

Literature cited by the submitters: PubMed 30847666 (cited by Women's Health and Genetics/Laboratory Corporation of America, LabCorp).

NM_001267550.2(TTN):c.21970T>G (p.Tyr7324Asp)

Gene: TTN (titin; minus strand). Cytogenetic location: 2q31.2.
Variant type: single nucleotide variant.
Coding change: c.21970T>G on transcript NM_001267550.2 (MANE Select); coding-DNA position 21970, T replaced by G.
Protein change: p.Tyr7324Asp; replaces tyrosine 7324 with aspartic acid.
Molecular consequence: missense variant. On other transcripts: intron variant (3).
Genome position (GRCh38, 1-based): chr2:178,722,929, A>C on the plus strand (T>G on the coding strand, the complement: TTN is on the minus strand). VCF-style: chr2-178722929-A-C. GRCh37 (hg19) VCF-style: chr2-179587656-A-C.
Other names: p.Y7007D:TAT>GAT; c.21019T>G, p.Tyr7007Asp (NM_001256850.1); c.18238T>G, p.Tyr6080Asp (NM_133378.4); c.13282+15153T>G (NM_003319.4); c.13858+15153T>G (NM_133437.4); c.13657+15153T>G (NM_133432.3); c.21970T>G (NM_001267550.1); short protein forms Y7007D, Y7324D, Y6080D.
Identifiers: ClinVar variation 203306 (VCV000203306.41), dbSNP rs765632650, ClinGen allele CA311986.